The following is an entry in ClinVar:

ClinVar aggregate classification (germline): Likely benign (0 of 4 stars; one submission).

Conditions:
PPP1R21-related disorder. Also called: PPP1R21-related condition.

Allele frequency attached by ClinVar (database versions not stated): gnomAD 0.00001; ExAC 0.00002.
gnomAD v4.1: 69 of 1,613,806 alleles (0.0043%); highest among the groups gnomAD compares: Non-Finnish European, 0.0053%; no homozygotes.

Submission:

PreventionGenetics, part of Exact Sciences
Classification: Likely benign for PPP1R21-related condition. Last evaluated: 2019-07-24. Review status: no assertion criteria provided. Collection method: clinical testing. Allele origin: germline.
Comment: This variant is classified as likely benign based on ACMG/AMP sequence variant interpretation guidelines (Richards et al. 2015 PMID: 25741868, with internal and published modifications).

NM_001135629.3(PPP1R21):c.837G>A (p.Gln279=)

Gene: PPP1R21 (protein phosphatase 1 regulatory subunit 21; plus strand). Cytogenetic location: 2p16.3.
Variant type: single nucleotide variant.
Coding change: c.837G>A on transcript NM_001135629.3 (MANE Select); coding-DNA position 837, G replaced by A.
Protein change: p.Gln279=; no amino-acid change (glutamine 279 retained).
Molecular consequence: synonymous variant. On other transcripts: non-coding transcript variant (1).
Genome position (GRCh38, 1-based): chr2:48,465,582, G>A. VCF-style: chr2-48465582-G-A. GRCh37 (hg19) VCF-style: chr2-48692721-G-A.
Other names: c.837G>A, p.Gln279= (NM_001193475.2, NM_152994.5).
Identifiers: ClinVar variation 3049653 (VCV003049653.2), dbSNP rs764074898, ClinGen allele CA1651055.
Genomic context (GRCh38, chr2:48,465,582, plus strand): 5'-CCTGGCTTTTGTTCAGGATCTTGTGACGGCTCTTCTAAACTTTCATACCTACACAGAACA[G>A]AGGATTCAAATTTTTCCTGTTGATTCTGCCATTGACACTATATCTCCATTGAATCAGAAG-3'
Protein context (NP_001129101.1, residues 269-289): ALLNFHTYTE[Gln279=]RIQIFPVDSA